The following is an entry in ClinVar:

NM_000257.4(MYH7):c.2008G>A (p.Val670Ile)

Gene: MYH7 (myosin heavy chain 7; minus strand). Cytogenetic location: 14q11.2.
Variant type: single nucleotide variant.
Coding change: c.2008G>A on transcript NM_000257.4 (MANE Select); coding-DNA position 2008, G replaced by A.
Protein change: p.Val670Ile; replaces valine 670 with isoleucine.
Molecular consequence: missense variant.
Genome position (GRCh38, 1-based): chr14:23,426,813, C>T on the plus strand (G>A on the coding strand, the complement: MYH7 is on the minus strand). VCF-style: chr14-23426813-C-T. GRCh37 (hg19) VCF-style: chr14-23896022-C-T.
Other names: c.2008G>A, p.Val670Ile (NM_001407004.1); short protein forms V670I.
Identifiers: ClinVar variation 3400952 (VCV003400952.1).
Genomic context (GRCh38, chr14:23,426,813, plus strand): 5'-GTTGGCCTGAGTTTGTGGCCTCACCTGGAGACTTTGTCTCATTAGGGATGATACAACGTA[C>T]AAAGTGGGGATGGGTGGAGCGCAAGTTGGTCATCAGCTTGTTCAGATTTTCCTGTGGCCA-3'
Protein context (NP_000248.2, residues 660-680): TNLRSTHPHF[Val670Ile]RCIIPNETKS

ClinVar aggregate classification (germline): Uncertain significance (1 of 4 stars; one submission).

Conditions:
Cardiovascular phenotype. Identifiers: MedGen CN230736.

Submission:

Ambry Genetics
Classification: Uncertain significance for Cardiovascular phenotype. Last evaluated: 2024-11-27. Review status: criteria provided, single submitter. Criteria: Ambry Variant Classification Scheme 2023. Collection method: clinical testing. Allele origin: germline.
Comment: The p.V670I variant (also known as c.2008G>A), located in coding exon 16 of the MYH7 gene, results from a G to A substitution at nucleotide position 2008. The valine at codon 670 is replaced by isoleucine, an amino acid with highly similar properties. This amino acid position is highly conserved in available vertebrate species. In addition, the in silico prediction for this alteration is inconclusive. Based on the available evidence, the clinical significance of this variant remains unclear.